The following is an entry in ClinVar:

ClinVar aggregate classification (germline): Benign. Review status: criteria provided, multiple submitters, no conflicts (2 of 4 stars). 4 submissions from 4 submitters: Benign (3). 1 of the submissions does not count toward it. Last evaluated 2026-02-04.

Conditions:
ANKZF1-related disorder. Also called: ANKZF1-related condition.

Allele frequency attached by ClinVar (database versions not stated): ESP Exome Variant Server 0.00083; ExAC 0.01401; gnomAD exomes 0.01783; 1000 Genomes Project 0.02436; 1000 Genomes Project 30x 0.02452.
gnomAD v4.1: 8,115 of 1,613,920 alleles (0.5%); highest among the groups gnomAD compares: Admixed American, 8.1%; 327 homozygotes.

Submissions (4):

Labcorp Genetics (formerly Invitae), Labcorp
Classification: Benign. Last evaluated: 2026-02-04. Review status: criteria provided, single submitter. Criteria: Invitae Variant Classification Sherloc (09022015). Collection method: clinical testing. Allele origin: germline.

Mayo Clinic Laboratories, Mayo Clinic
Classification: Benign. Last evaluated: 2022-09-06. Review status: criteria provided, single submitter. Criteria: ACMG Guidelines, 2015. Collection method: clinical testing. Allele origin: germline. Observed: 2 variant alleles.

Breakthrough Genomics
Classification: Benign. Review status: criteria provided, single submitter. Criteria: ACMG Guidelines, 2015. Collection method: not provided. Allele origin: germline. Inheritance: Unknown mechanism. Affected: yes.

PreventionGenetics, part of Exact Sciences
Classification: Benign for ANKZF1-related condition. Last evaluated: 2019-09-25. Review status: no assertion criteria provided. Collection method: clinical testing. Allele origin: germline. Not counted in ClinVar's aggregate classification.
Comment: This variant is classified as benign based on ACMG/AMP sequence variant interpretation guidelines (Richards et al. 2015 PMID: 25741868, with internal and published modifications).

NM_018089.3(ANKZF1):c.1697C>G (p.Ser566Cys)

Gene: ANKZF1 (ankyrin repeat and zinc finger peptidyl tRNA hydrolase 1; plus strand). Cytogenetic location: 2q35.
Variant type: single nucleotide variant.
Coding change: c.1697C>G on transcript NM_018089.3 (MANE Select); coding-DNA position 1697, C replaced by G.
Protein change: p.Ser566Cys; replaces serine 566 with cysteine.
Molecular consequence: missense variant.
Genome position (GRCh38, 1-based): chr2:219,235,479, C>G. VCF-style: chr2-219235479-C-G. GRCh37 (hg19) VCF-style: chr2-220100201-C-G.
Other names: p.Ser566Cys; c.1697C>G, p.Ser566Cys (NM_001042410.2); c.1067C>G, p.Ser356Cys (NM_001282792.2); c.1697C>G (NM_018089.2); short protein forms S356C, S566C.
Identifiers: ClinVar variation 1168843 (VCV001168843.13), dbSNP rs2293075, ClinGen allele CA2121136.
Genomic context (GRCh38, chr2:219,235,479, plus strand): 5'-ATGTTGGGAAAGGCAGGAGGCAAGTTAAACCCATTTTTGGAGTTTTTGCACCTAGGGACT[C>G]TCGGGCCCGGCCACCTTATACTGTTGCGGCTGACAAATCAACACGTAATGAGTTCCGAAG-3'
Protein context (NP_060559.2, residues 556-576): EAGADPTVQD[Ser566Cys]RARPPYTVAA